The following is an entry in ClinVar:

NM_003736.4(PCDHGB4):c.1500A>G (p.Ser500=)

Genes: PCDHG@ (protocadherin gamma cluster; plus strand), PCDHGA1 (protocadherin gamma subfamily A, 1; plus strand), PCDHGA2 (protocadherin gamma subfamily A, 2; plus strand), PCDHGA3 (protocadherin gamma subfamily A, 3; plus strand), PCDHGA4 (protocadherin gamma subfamily A, 4; plus strand) and 7 more. Cytogenetic location: 5q31.3.
Variant type: single nucleotide variant.
Coding change: c.1500A>G on transcript NM_003736.4 (MANE Select); coding-DNA position 1500, A replaced by G.
Protein change: p.Ser500=; no amino-acid change (serine 500 retained).
Molecular consequence: synonymous variant. On other transcripts: intron variant (10).
Genome position (GRCh38, 1-based): chr5:141,389,384, A>G. VCF-style: chr5-141389384-A-G. GRCh37 (hg19) VCF-style: chr5-140768951-A-G.
Other names: c.2424+47989A>G (NM_018915.4); c.2424+42927A>G (NM_018916.4); c.2409+36715A>G (NM_018922.3); c.2514+31763A>G (NM_018917.4); c.2421+26828A>G (NM_018923.3); c.2421+22633A>G (NM_018918.3); c.2415+16575A>G (NM_018924.5); c.2424+12877A>G (NM_018919.3); and 3 more.
Identifiers: ClinVar variation 2655851 (VCV002655851.24), dbSNP rs763455438, ClinGen allele CA3472532.
Genomic context (GRCh38, chr5:141,389,384, plus strand): 5'-GCCCAACGGCCAAGTCTCTTACTGCATCATGGCCAGTGACCTGGAGCAGCGGGAGCTGTC[A>G]TCCTACGTGTCCATAAGCGCGGAGAGCGGGGTGGTGTTCGCGCAGCGCGCCTTCGACCAC-3'
Protein context (NP_003727.1, residues 490-510): MASDLEQREL[Ser500=]SYVSISAESG

ClinVar aggregate classification (germline): Likely benign (1 of 4 stars; one submission).

Allele frequency attached by ClinVar (database versions not stated): ExAC 0.00009.

Submission:

CeGaT Center for Human Genetics Tuebingen
Classification: Likely benign. Last evaluated: 2022-11-01. Review status: criteria provided, single submitter. Criteria: CeGaT Center For Human Genetics Tuebingen Variant Classification Criteria Version 2. Collection method: clinical testing. Allele origin: germline. Affected: yes. Observed: 1 variant allele.
Comment: PCDHGB4: PM2:Supporting, BP4, BP7